The following is an entry in ClinVar:

NM_000059.4(BRCA2):c.6585dup (p.Lys2196Ter)

Gene: BRCA2 (BRCA2 DNA repair associated; plus strand). Cytogenetic location: 13q13.1.
Variant type: Duplication.
Coding change: c.6585dup on transcript NM_000059.4 (MANE Select); coding-DNA position 6585, one base duplicated (T; older notation c.6585dupT).
Protein change: p.Lys2196Ter; replaces lysine 2196 with a stop codon.
Molecular consequence: nonsense.
Genome position (GRCh38, 1-based): chr13:32,340,940, T duplicated. VCF-style (leftmost placement, unchanged base first): chr13-32340939-G-GT. GRCh37 (hg19) VCF-style: chr13-32915076-G-GT.
Other names: 6813insT; short protein forms K2196*.
Identifiers: ClinVar variation 266966 (VCV000266966.15), dbSNP rs886040669, ClinGen allele CA10589395.

ClinVar aggregate classification (germline): Pathogenic. Review status: reviewed by expert panel (3 of 4 stars). 3 submissions from 3 submitters: Pathogenic (1). 2 of the submissions do not count toward it. Last evaluated 2016-10-18.

Conditions:
Breast-ovarian cancer, familial, susceptibility to, 2 (BROVCA2). Also called: BRCA2 Hereditary Breast and Ovarian Cancer. Identifiers: Orphanet 145, MedGen C2675520, MONDO:0012933, OMIM 612555. Disease mechanism: loss of function.
Hereditary breast ovarian cancer syndrome. Also called: BRCA1- and BRCA2-Associated Hereditary Breast and Ovarian Cancer; Hereditary breast and ovarian cancer; Breast and ovarian cancer; Hereditary breast and/or ovarian cancer syndrome; Hereditary breast and ovarian cancer syndrome; Hereditary breast and ovarian cancer syndrome (HBOC). Identifiers: Orphanet 145, MedGen C0677776, MeSH D061325, MONDO:0003582. Disease mechanism: loss of function.

Submissions (3):

Evidence-based Network for the Interpretation of Germline Mutant Alleles (ENIGMA)
Classification: Pathogenic for Breast-ovarian cancer, familial, susceptibility to, 2. Last evaluated: 2016-10-18. Review status: reviewed by expert panel. Criteria: ENIGMA BRCA1/2 Classification Criteria (2015). Collection method: curation. Allele origin: germline.
Comment: Variant allele predicted to encode a truncated non-functional protein.

Labcorp Genetics (formerly Invitae), Labcorp
Classification: Pathogenic for Hereditary breast ovarian cancer syndrome. Last evaluated: 2020-01-24. Review status: criteria provided, single submitter. Criteria: Invitae Variant Classification Sherloc (09022015). Collection method: clinical testing. Allele origin: germline. Not counted in ClinVar's aggregate classification.
Comment: For these reasons, this variant has been classified as Pathogenic. Loss-of-function variants in BRCA2 are known to be pathogenic (PMID: 20104584). This variant has been reported in individuals in the Leiden Open-source Variation Database (PMID: 21520333). ClinVar contains an entry for this variant (Variation ID: 266966). This variant is not present in population databases (ExAC no frequency). This sequence change creates a premature translational stop signal (p.Lys2196*) in the BRCA2 gene. It is expected to result in an absent or disrupted protein product.

Consortium of Investigators of Modifiers of BRCA1/2 (CIMBA), c/o University of Cambridge
Classification: Pathogenic for Breast-ovarian cancer, familial, susceptibility to, 2. Last evaluated: 2015-10-02. Review status: criteria provided, single submitter. Criteria: CIMBA Mutation Classification guidelines May 2016. Collection method: clinical testing. Allele origin: germline. Not counted in ClinVar's aggregate classification.

Literature cited by the submitters: PubMed 20104584 (cited by Labcorp Genetics (formerly Invitae), Labcorp); PubMed 21520333 (cited by Labcorp Genetics (formerly Invitae), Labcorp).